The following is an entry in ClinVar:

NM_001031710.3(KLHL7):c.1139C>G (p.Ala380Gly)

Gene: KLHL7 (kelch like family member 7; plus strand). Cytogenetic location: 7p15.3.
Variant type: single nucleotide variant.
Coding change: c.1139C>G on transcript NM_001031710.3 (MANE Select); coding-DNA position 1139, C replaced by G.
Protein change: p.Ala380Gly; replaces alanine 380 with glycine.
Molecular consequence: missense variant. On other transcripts: non-coding transcript variant (1).
Genome position (GRCh38, 1-based): chr7:23,165,900, C>G. VCF-style: chr7-23165900-C-G. GRCh37 (hg19) VCF-style: chr7-23205519-C-G.
Other names: c.995C>G, p.Ala332Gly (NM_018846.5); short protein forms A332G, A380G.
Identifiers: ClinVar variation 1704186 (VCV001704186.2), dbSNP rs2534925595, ClinGen allele CA366981554.

ClinVar aggregate classification (germline): Uncertain significance (1 of 4 stars; one submission).

Submission:

GeneDx
Classification: Uncertain significance. Last evaluated: 2022-03-04. Review status: criteria provided, single submitter. Criteria: GeneDx Variant Classification Process June 2021. Collection method: clinical testing. Allele origin: germline. Affected: yes.
Comment: Not observed at significant frequency in large population cohorts (gnomAD); In silico analysis supports that this missense variant has a deleterious effect on protein structure/function; Has not been previously published as pathogenic or benign to our knowledge